The following is an entry in ClinVar:

ClinVar aggregate classification (germline): Likely benign (1 of 4 stars; one submission).

Conditions:
Loeys-Dietz syndrome 2 (LDS2). Also called: TGFBR2-Related Loeys-Dietz Syndrome; AORTIC ANEURYSM, FAMILIAL THORACIC 3; MARFAN SYNDROME, TYPE II; Marfan syndrome, type 2 (formerly); Marfan Syndrome type 2; Marfan like connective tissue disorder. Identifiers: Orphanet 284973, Orphanet 558, MedGen C2674574, MONDO:0012427, OMIM 610168.

Allele frequency attached by ClinVar (database versions not stated): gnomAD exomes below 0.00001.
gnomAD v4.1: 4 of 1,614,102 alleles (0.00025%); highest among the groups gnomAD compares: Non-Finnish European, 0.00034%; no homozygotes.

Submission:

All of Us Research Program, National Institutes of Health
Classification: Likely benign for Loeys-Dietz syndrome 2. Last evaluated: 2023-12-13. Review status: criteria provided, single submitter. Criteria: ACMG Guidelines, 2015. Collection method: clinical testing. Allele origin: germline. Inheritance: Autosomal dominant inheritance. Observed: 1 variant allele, 1 heterozygote.
Comment: This study involves interpretation of variants in research participants for the purpose of population health screening. Participant phenotype was not available at the time of variant classification. Additional details can be found in publication PMID: 35346344, PMCID: PMC8962531

NM_003242.6(TGFBR2):c.1566C>T (p.Asp522=)

Gene: TGFBR2 (transforming growth factor beta receptor 2; plus strand). Cytogenetic location: 3p24.1.
Variant type: single nucleotide variant.
Coding change: c.1566C>T on transcript NM_003242.6 (MANE Select); coding-DNA position 1566, C replaced by T.
Protein change: p.Asp522=; no amino-acid change (aspartic acid 522 retained).
Molecular consequence: synonymous variant.
Genome position (GRCh38, 1-based): chr3:30,691,461, C>T. VCF-style: chr3-30691461-C-T. GRCh37 (hg19) VCF-style: chr3-30732953-C-T.
Other names: c.1593C>T, p.Asp531= (NM_001407128.1); c.1569C>T, p.Asp523= (NM_001407129.1); c.1563C>T, p.Asp521= (NM_001407130.1); c.1461C>T, p.Asp487= (NM_001407132.1, NM_001407133.1, NM_001407134.1 and 2 more transcripts); c.1281C>T, p.Asp427= (NM_001407137.1); c.1641C>T, p.Asp547= (NM_001024847.3); c.1749C>T, p.Asp583= (NM_001407126.1); c.1674C>T, p.Asp558= (NM_001407127.1); and 2 more.
Identifiers: ClinVar variation 3074754 (VCV003074754.1), dbSNP rs1356734619, ClinGen allele CA432917978.